The following is an entry in ClinVar:

ClinVar aggregate classification (germline): Uncertain significance (1 of 4 stars; one submission).

Allele frequency attached by ClinVar (database versions not stated): gnomAD exomes below 0.00001.
gnomAD v4.1: 1 of 1,592,488 alleles (0.000063%); highest among the groups gnomAD compares: Non-Finnish European, 0.000086%; no homozygotes.

Submission:

Labcorp Genetics (formerly Invitae), Labcorp
Classification: Uncertain significance. Last evaluated: 2021-10-27. Review status: criteria provided, single submitter. Criteria: Invitae Variant Classification Sherloc (09022015). Collection method: clinical testing. Allele origin: germline.
Comment: In summary, the available evidence is currently insufficient to determine the role of this variant in disease. Therefore, it has been classified as a Variant of Uncertain Significance. This sequence change replaces lysine, a(n) basic and polar amino acid, with threonine, a(n) neutral and polar amino acid, at codon 112 of the SLC25A12 protein (p.Lys112Thr). This variant is not present in population databases (gnomAD no frequency). This variant has not been reported in the literature in individuals affected with SLC25A12-related conditions. Algorithms developed to predict the effect of missense changes on protein structure and function are either unavailable or do not agree on the potential impact of this missense change (SIFT: "Tolerated"; PolyPhen-2: "Possibly Damaging"; Align-GVGD: "Class C0").

NM_003705.5(SLC25A12):c.335A>C (p.Lys112Thr)

Gene: SLC25A12 (solute carrier family 25 member 12; minus strand). Cytogenetic location: 2q31.1.
Variant type: single nucleotide variant.
Coding change: c.335A>C on transcript NM_003705.5 (MANE Select); coding-DNA position 335, A replaced by C.
Protein change: p.Lys112Thr; replaces lysine 112 with threonine.
Molecular consequence: missense variant. On other transcripts: non-coding transcript variant (1).
Genome position (GRCh38, 1-based): chr2:171,844,499, T>G on the plus strand (A>C on the coding strand, the complement: SLC25A12 is on the minus strand). VCF-style: chr2-171844499-T-G. GRCh37 (hg19) VCF-style: chr2-172701009-T-G.
Other names: short protein forms K112T.
Identifiers: ClinVar variation 1491900 (VCV001491900.6), dbSNP rs1047272344, ClinGen allele CA60934691.